The following is an entry in ClinVar:

ClinVar aggregate classification (germline): Uncertain significance. Review status: criteria provided, multiple submitters, no conflicts (2 of 4 stars). 2 submissions from 2 submitters: Uncertain significance (2). Last evaluated 2026-07-14.

Conditions:
Cardiovascular phenotype. Identifiers: MedGen CN230736.
Hypertrophic cardiomyopathy. Also called: HYPERTROPHIC MYOCARDIOPATHY. Identifiers: Orphanet 217569, MedGen C0007194, MeSH D002312, MONDO:0005045, HP:0001639.

Allele frequency attached by ClinVar (database versions not stated): gnomAD 0.00001; TOPMed 0.00001.
gnomAD v4.1: 3 of 1,613,978 alleles (0.00019%); highest among the groups gnomAD compares: East Asian, 0.0022%; no homozygotes.

Submissions (2):

Ambry Genetics
Classification: Uncertain significance for Cardiovascular phenotype. Last evaluated: 2026-07-14. Review status: criteria provided, single submitter. Criteria: Ambry Variant Classification Scheme 2023. Collection method: clinical testing. Allele origin: germline.
Comment: The c.481+4A>G intronic variant results from an A to G substitution 4 nucleotides after coding exon 4 in the MYL3 gene. This nucleotide position is highly conserved in available vertebrate species. In silico splice site analysis predicts that this alteration may weaken the native splice donor site and may result in the creation or strengthening of a novel splice donor site. Based on the available evidence, the clinical significance of this variant remains unclear.

Labcorp Genetics (formerly Invitae), Labcorp
Classification: Uncertain significance for Hypertrophic cardiomyopathy. Last evaluated: 2023-05-13. Review status: criteria provided, single submitter. Criteria: Invitae Variant Classification Sherloc (09022015). Collection method: clinical testing. Allele origin: germline.
Comment: Variants that disrupt the consensus splice site are a relatively common cause of aberrant splicing (PMID: 17576681, 9536098). Algorithms developed to predict the effect of sequence changes on RNA splicing suggest that this variant may disrupt the consensus splice site. In summary, the available evidence is currently insufficient to determine the role of this variant in disease. Therefore, it has been classified as a Variant of Uncertain Significance. This variant has not been reported in the literature in individuals affected with MYL3-related conditions. This variant is not present in population databases (gnomAD no frequency). This sequence change falls in intron 4 of the MYL3 gene. It does not directly change the encoded amino acid sequence of the MYL3 protein. It affects a nucleotide within the consensus splice site.

Literature cited by the submitters: PubMed 17576681 (cited by Labcorp Genetics (formerly Invitae), Labcorp); PubMed 9536098 (cited by Labcorp Genetics (formerly Invitae), Labcorp).

NM_000258.3(MYL3):c.481+4A>G

Gene: MYL3 (myosin light chain 3; minus strand). Cytogenetic location: 3p21.31.
Variant type: single nucleotide variant.
Coding change: c.481+4A>G on transcript NM_000258.3 (MANE Select); 4 bases into the intron after coding-DNA position 481, A replaced by G.
Molecular consequence: intron variant.
Genome position (GRCh38, 1-based): chr3:46,859,471, T>C on the plus strand (A>G on the coding strand, the complement: MYL3 is on the minus strand). VCF-style: chr3-46859471-T-C. GRCh37 (hg19) VCF-style: chr3-46900961-T-C.
Other names: c.481+4A>G (NM_000258.2, NM_001406939.1, NM_001406938.1 and 1 more transcripts); c.307+4A>G (NM_001406940.1, NM_001406941.1).
Identifiers: ClinVar variation 2733695 (VCV002733695.2), dbSNP rs1217945186, ClinGen allele CA907609881.